The following is an entry in ClinVar:

NM_017714.3(TASP1):c.641T>A (p.Met214Lys)

Gene: TASP1 (taspase 1; minus strand). Cytogenetic location: 20p12.1.
Variant type: single nucleotide variant.
Coding change: c.641T>A on transcript NM_017714.3 (MANE Select); coding-DNA position 641, T replaced by A.
Protein change: p.Met214Lys; replaces methionine 214 with lysine.
Molecular consequence: missense variant. On other transcripts: intron variant (1).
Genome position (GRCh38, 1-based): chr20:13,559,042, A>T on the plus strand (T>A on the coding strand, the complement: TASP1 is on the minus strand). VCF-style: chr20-13559042-A-T. GRCh37 (hg19) VCF-style: chr20-13539689-A-T.
Other names: c.335T>A, p.Met112Lys (NM_001323603.2, NM_001323604.2); c.283-24901T>A (NM_001323602.2); short protein forms M112K, M214K.
Identifiers: ClinVar variation 3031881 (VCV003031881.11), dbSNP rs764843924, ClinGen allele CA9766645.

ClinVar aggregate classification (germline): Uncertain significance. Review status: criteria provided, multiple submitters, no conflicts (2 of 4 stars). 3 submissions from 3 submitters: Uncertain significance (2). 1 of the submissions does not count toward it. Last evaluated 2025-07-01.

Conditions:
Inborn genetic diseases. Identifiers: MedGen C0950123, MeSH D030342.
TASP1-related disorder. Also called: TASP1-related condition.

Allele frequency attached by ClinVar (database versions not stated): ExAC 0.00003; gnomAD 0.00003; gnomAD exomes 0.00003; TOPMed 0.00004.
gnomAD v4.1: 49 of 1,596,822 alleles (0.0031%); highest among the groups gnomAD compares: Middle Eastern, 0.033%; no homozygotes.

Submissions (3):

CeGaT Center for Human Genetics Tuebingen
Classification: Uncertain significance. Last evaluated: 2025-07-01. Review status: criteria provided, single submitter. Criteria: CeGaT Center For Human Genetics Tuebingen Variant Classification Criteria Version 2. Collection method: clinical testing. Allele origin: germline. Affected: yes. Observed: 1 variant allele.
Comment: TASP1: PM2, PM3:Supporting

Ambry Genetics
Classification: Uncertain significance for Inborn genetic diseases. Last evaluated: 2023-10-10. Review status: criteria provided, single submitter. Criteria: Ambry Variant Classification Scheme 2023. Collection method: clinical testing. Allele origin: germline.

PreventionGenetics, part of Exact Sciences
Classification: Uncertain significance for TASP1-related condition. Last evaluated: 2024-02-15. Review status: no assertion criteria provided. Collection method: clinical testing. Allele origin: germline. Not counted in ClinVar's aggregate classification.
Comment: The TASP1 c.641T>A variant is predicted to result in the amino acid substitution p.Met214Lys. To our knowledge, this variant has not been reported in the literature. This variant is reported in 0.059% of alleles in individuals of Ashkenazi Jewish descent in gnomAD. At this time, the clinical significance of this variant is uncertain due to the absence of conclusive functional and genetic evidence.